The following is an entry in ClinVar:

ClinVar aggregate classification (germline): Uncertain significance (1 of 4 stars; one submission).

Conditions:
Inborn genetic diseases. Identifiers: MedGen C0950123, MeSH D030342.

Submission:

Ambry Genetics
Classification: Uncertain significance for Inborn genetic diseases. Last evaluated: 2022-09-04. Review status: criteria provided, single submitter. Criteria: Ambry Variant Classification Scheme 2023. Collection method: clinical testing. Allele origin: germline.
Comment: The p.H79R variant (also known as c.236A>G), located in coding exon 1 of the ACD gene, results from an A to G substitution at nucleotide position 236. The histidine at codon 79 is replaced by arginine, an amino acid with highly similar properties. This amino acid position is conserved. In addition, this alteration is predicted to be tolerated by in silico analysis. Since supporting evidence is limited at this time, the clinical significance of this alteration remains unclear.

NM_001082486.2(ACD):c.-23A>G

Gene: ACD (ACD shelterin complex subunit and telomerase recruitment factor; minus strand). Cytogenetic location: 16q22.1.
Variant type: single nucleotide variant.
Coding change: c.-23A>G on transcript NM_001082486.2 (MANE Select); 23 bases upstream of the start codon, A replaced by G.
Molecular consequence: 5 prime UTR variant.
Genome position (GRCh38, 1-based): chr16:67,660,243, T>C on the plus strand (A>G on the coding strand, the complement: ACD is on the minus strand). VCF-style: chr16-67660243-T-C. GRCh37 (hg19) VCF-style: chr16-67694146-T-C.
Other names: c.-23A>G (NM_001410884.1, NM_022914.3).
Identifiers: ClinVar variation 1790264 (VCV001790264.2), dbSNP rs746445437, ClinGen allele CA396359302.